The following is an entry in ClinVar:

ClinVar aggregate classification (germline): Pathogenic (1 of 4 stars; one submission).

Submission:

Labcorp Genetics (formerly Invitae), Labcorp
Classification: Pathogenic. Last evaluated: 2025-05-01. Review status: criteria provided, single submitter. Criteria: Invitae Variant Classification Sherloc (09022015). Collection method: clinical testing. Allele origin: germline.
Comment: This sequence change creates a premature translational stop signal (p.Arg115Glyfs*83) in the PRPF31 gene. It is expected to result in an absent or disrupted protein product. Loss-of-function variants in PRPF31 are known to be pathogenic (PMID: 18317597, 23950152). This variant is not present in population databases (gnomAD no frequency). This variant has not been reported in the literature in individuals affected with PRPF31-related conditions. ClinVar contains an entry for this variant (Variation ID: 1364976). For these reasons, this variant has been classified as Pathogenic.

Literature cited by the submitters: PubMed 18317597; PubMed 23950152.

NM_015629.4(PRPF31):c.343del (p.Arg115fs)

Genes: PRPF31 (pre-mRNA processing factor 31; plus strand), PRPF31-AS1 (PRPF31 antisense RNA 1; minus strand). Cytogenetic location: 19q13.42.
Variant type: Deletion.
Coding change: c.343del on transcript NM_015629.4 (MANE Select); coding-DNA position 343, one base deleted (C; older notation c.343delC).
Protein change: p.Arg115fs; shifts the reading frame from arginine 115.
Molecular consequence: frameshift variant.
Genome position (GRCh38, 1-based): chr19:54,122,517, C deleted; the last of 2 consecutive C bases (chr19:54,122,516-54,122,517); deleting either gives the same sequence. VCF-style (leftmost placement, unchanged base first): chr19-54122515-TC-T. GRCh37 (hg19) VCF-style: chr19-54625894-TC-T.
Other names: short protein forms R115fs.
Identifiers: ClinVar variation 1364976 (VCV001364976.6), dbSNP rs2146413305, ClinGen allele CA2573156798.